The following is an entry in ClinVar:

NM_014244.5(ADAMTS2):c.139+276A>G

Gene: ADAMTS2 (ADAM metallopeptidase with thrombospondin type 1 motif 2; minus strand). Cytogenetic location: 5q35.3.
Variant type: single nucleotide variant.
Coding change: c.139+276A>G on transcript NM_014244.5 (MANE Select); 276 bases into the intron after coding-DNA position 139, A replaced by G.
Molecular consequence: intron variant.
Genome position (GRCh38, 1-based): chr5:179,344,914, T>C on the plus strand (A>G on the coding strand, the complement: ADAMTS2 is on the minus strand). VCF-style: chr5-179344914-T-C. GRCh37 (hg19) VCF-style: chr5-178771915-T-C.
Other names: c.139+276A>G (NM_021599.4).
Identifiers: ClinVar variation 682683 (VCV000682683.1), dbSNP rs114426619, ClinGen allele CA11956129.

ClinVar aggregate classification (germline): Benign (1 of 4 stars; one submission).

Allele frequency attached by ClinVar (database versions not stated): gnomAD 0.32717 and 0.33763; TOPMed 0.32754; 1000 Genomes Project 30x 0.39257; 1000 Genomes Project 0.39457.
gnomAD v4.1: 51,243 of 152,022 alleles (34%); highest among the groups gnomAD compares: South Asian, 52%; 9,122 homozygotes.

Submission:

GeneDx
Classification: Benign. Last evaluated: 2018-06-18. Review status: criteria provided, single submitter. Criteria: GeneDx Variant Classification (06012015). Collection method: clinical testing. Allele origin: germline. Affected: yes.
Comment: This variant is considered likely benign or benign based on one or more of the following criteria: it is a conservative change, it occurs at a poorly conserved position in the protein, it is predicted to be benign by multiple in silico algorithms, and/or has population frequency not consistent with disease.